The following is an entry in ClinVar:

ClinVar aggregate classification (germline): Conflicting classifications of pathogenicity. Review status: criteria provided, conflicting classifications (1 of 4 stars). 7 submissions from 7 submitters: Uncertain significance (6); Likely benign (1). Last evaluated 2025-12-02.

Conditions:
Bethlem myopathy 1A. Also called: Bethlem myopathy 1; Bethlem Muscular Dystrophy; MYOPATHY, BENIGN CONGENITAL, WITH CONTRACTURES. Identifiers: Orphanet 610, MedGen CN029274, MONDO:0024530, OMIM 158810.
Intellectual disability. Also called: intellectual disabilities; Intellectual functioning disability; Intellectual developmental disorder. Identifiers: MedGen C3714756, MeSH D008607, MONDO:0001071, HP:0001249.

Allele frequency attached by ClinVar (database versions not stated): gnomAD exomes 0.00029 and 0.00010; ESP Exome Variant Server 0.00008; gnomAD 0.00011 and 0.00012; TOPMed 0.00011; ExAC 0.00012.
gnomAD v4.1: 429 of 1,600,878 alleles (0.027%); highest among the groups gnomAD compares: Non-Finnish European, 0.035%; no homozygotes.

Submissions (7):

Labcorp Genetics (formerly Invitae), Labcorp
Classification: Likely benign for Bethlem myopathy 1A. Last evaluated: 2025-12-02. Review status: criteria provided, single submitter. Criteria: Invitae Variant Classification Sherloc (09022015). Collection method: clinical testing. Allele origin: germline.

Blueprint Genetics
Classification: Uncertain significance. Last evaluated: 2024-10-14. Review status: criteria provided, single submitter. Criteria: ACMG Guidelines, 2015. Collection method: clinical testing. Allele origin: germline.

Women's Health and Genetics/Laboratory Corporation of America, LabCorp
Classification: Uncertain significance. Last evaluated: 2023-08-31. Review status: criteria provided, single submitter. Criteria: LabCorp Variant Classification Summary - May 2015. Collection method: clinical testing. Allele origin: germline.
Comment: Variant summary: COL6A3 c.2525T>C (p.Phe842Ser) results in a non-conservative amino acid change located in the von Willebrand factor, type A (IPR002035) of the encoded protein sequence. Four of five in-silico tools predict a damaging effect of the variant on protein function. The variant allele was found at a frequency of 9.6e-05 in 240834 control chromosomes. c.2525T>C has been reported in the literature in individuals affected with Dystonia or Limb-girdle muscular dystrophies (example, Nallamilli_2018, Zech_2015), without strong evidence for causality. These data do not allow any conclusion about variant significance. To our knowledge, no experimental evidence demonstrating an impact on protein function has been reported. The following publications have been ascertained in the context of this evaluation (PMID: 30564623, 26004199). Four submitters have cited clinical-significance assessments for this variant to ClinVar after 2014 (VUS, n=3; Likely benign, n=1). Based on the evidence outlined above, the variant was classified as uncertain significance.

Mayo Clinic Laboratories, Mayo Clinic
Classification: Uncertain significance. Last evaluated: 2021-03-04. Review status: criteria provided, single submitter. Criteria: ACMG Guidelines, 2015. Collection method: clinical testing. Allele origin: germline. Observed: 2 variant alleles.

Revvity Omics, Revvity
Classification: Uncertain significance. Last evaluated: 2020-07-08. Review status: criteria provided, single submitter. Criteria: ACMG Guidelines, 2015. Collection method: clinical testing. Allele origin: germline.

Cambridge Genomics Laboratory, East Genomic Laboratory Hub, NHS Genomic Medicine Service
Classification: Uncertain significance for Intellectual disability. Last evaluated: 2020-03-20. Review status: criteria provided, single submitter. Criteria: ACGS Best Practice Guidelines for Variant Classification in Rare Disease 2020. Collection method: clinical testing. Allele origin: germline. Affected: yes. Observed: 1 variant allele.

Eurofins Ntd Llc (ga)
Classification: Uncertain significance. Last evaluated: 2016-10-11. Review status: criteria provided, single submitter. Criteria: EGL Classification Definitions 2015. Collection method: clinical testing. Allele origin: germline. Observed: 3 variant alleles, 3 heterozygotes.

Literature cited by the submitters: PubMed 30564623 (cited by Women's Health and Genetics/Laboratory Corporation of America, LabCorp); PubMed 26004199 (cited by Women's Health and Genetics/Laboratory Corporation of America, LabCorp and Eurofins Ntd Llc (ga)).

NM_004369.4(COL6A3):c.2525T>C (p.Phe842Ser)

Gene: COL6A3 (collagen type VI alpha 3 chain; minus strand). Cytogenetic location: 2q37.3.
Variant type: single nucleotide variant.
Coding change: c.2525T>C on transcript NM_004369.4 (MANE Select); coding-DNA position 2525, T replaced by C.
Protein change: p.Phe842Ser; replaces phenylalanine 842 with serine.
Molecular consequence: missense variant.
Genome position (GRCh38, 1-based): chr2:237,377,317, A>G on the plus strand (T>C on the coding strand, the complement: COL6A3 is on the minus strand). VCF-style: chr2-237377317-A-G. GRCh37 (hg19) VCF-style: chr2-238285960-A-G.
Other names: c.1304T>C, p.Phe435Ser (NM_057164.5); c.1907T>C, p.Phe636Ser (NM_057165.5, NM_057167.4); c.704T>C, p.Phe235Ser (NM_057166.5); short protein forms F842S, F435S, F235S, F636S.
Identifiers: ClinVar variation 282127 (VCV000282127.23), dbSNP rs369930821, ClinGen allele CA2189376.